The following is an entry in ClinVar:

NM_017780.4(CHD7):c.670A>G (p.Asn224Asp)

Gene: CHD7 (chromodomain helicase DNA binding protein 7; plus strand). Cytogenetic location: 8q12.2.
Variant type: single nucleotide variant.
Coding change: c.670A>G on transcript NM_017780.4 (MANE Select); coding-DNA position 670, A replaced by G.
Protein change: p.Asn224Asp; replaces asparagine 224 with aspartic acid.
Molecular consequence: missense variant.
Genome position (GRCh38, 1-based): chr8:60,742,102, A>G. VCF-style: chr8-60742102-A-G. GRCh37 (hg19) VCF-style: chr8-61654661-A-G.
Other names: c.670A>G, p.Asn224Asp (NM_001316690.1); short protein forms N224D.
Identifiers: ClinVar variation 4809408 (VCV004809408.1).

ClinVar aggregate classification (germline): Uncertain significance (1 of 4 stars; one submission).

Conditions:
CHARGE syndrome (CHARGE). Also called: Hittner Hirsch Kreh syndrome; CHARGE ASSOCIATION--COLOBOMA, HEART ANOMALY, CHOANAL ATRESIA, RETARDATION, GENITAL AND EAR ANOMALIES; Coloboma, heart anomaly, choanal atresia, retardation, genital and ear anomalies; CHARGE association; Hall-Hittner syndrome. Identifiers: Orphanet 138, MedGen C0265354, MONDO:0008965.

gnomAD v4.1: 2 of 1,613,816 alleles (0.00012%); highest among the groups gnomAD compares: South Asian, 0.0022%; no homozygotes.

Submission:

Labcorp Genetics (formerly Invitae), Labcorp
Classification: Uncertain significance for CHARGE syndrome. Last evaluated: 2025-04-08. Review status: criteria provided, single submitter. Criteria: Invitae Variant Classification Sherloc (09022015). Collection method: clinical testing. Allele origin: germline.
Comment: This sequence change replaces asparagine, which is neutral and polar, with aspartic acid, which is acidic and polar, at codon 224 of the CHD7 protein (p.Asn224Asp). This variant is not present in population databases (gnomAD no frequency). This variant has not been reported in the literature in individuals affected with CHD7-related conditions. Invitae Evidence Modeling of protein sequence and biophysical properties (such as structural, functional, and spatial information, amino acid conservation, physicochemical variation, residue mobility, and thermodynamic stability) indicates that this missense variant is not expected to disrupt CHD7 protein function with a negative predictive value of 95%. In summary, the available evidence is currently insufficient to determine the role of this variant in disease. Therefore, it has been classified as a Variant of Uncertain Significance.